The following is an entry in ClinVar:

ClinVar aggregate classification (germline): Uncertain significance. Review status: criteria provided, multiple submitters, no conflicts (2 of 4 stars). 2 submissions from 2 submitters: Uncertain significance (2). Last evaluated 2026-04-17.

Conditions:
NPHP1-related disorder. Also called: NPHP1-related condition; NPHP1-related disorders.
Nephronophthisis. Also called: Juvenile Nephronophthisis. Identifiers: Orphanet 655, MedGen C0687120, MONDO:0019005, HP:0000090.

Allele frequency attached by ClinVar (database versions not stated): gnomAD exomes below 0.00001.
gnomAD v4.1: 1 of 1,610,768 alleles (0.000062%); highest among the groups gnomAD compares: Middle Eastern, 0.017%; no homozygotes.

Submissions (2):

PreventionGenetics, part of Exact Sciences
Classification: Uncertain significance for NPHP1-related condition. Last evaluated: 2026-04-17. Review status: criteria provided, single submitter. Criteria: ACMG Guidelines, 2015. Collection method: clinical testing. Allele origin: germline.
Comment: The NPHP1 c.1689T>G variant is predicted to result in the amino acid substitution p.Asn563Lys. To our knowledge, this variant has not been reported in the literature or in a large population database (gnomAD), indicating this variant is rare. At this time, the clinical significance of this variant is uncertain due to the absence of conclusive functional and genetic evidence.

Labcorp Genetics (formerly Invitae), Labcorp
Classification: Uncertain significance for Nephronophthisis. Last evaluated: 2022-03-10. Review status: criteria provided, single submitter. Criteria: Invitae Variant Classification Sherloc (09022015). Collection method: clinical testing. Allele origin: germline.
Comment: This sequence change replaces asparagine, which is neutral and polar, with lysine, which is basic and polar, at codon 563 of the NPHP1 protein (p.Asn563Lys). This variant is not present in population databases (gnomAD no frequency). This variant has not been reported in the literature in individuals affected with NPHP1-related conditions. Algorithms developed to predict the effect of missense changes on protein structure and function (SIFT, PolyPhen-2, Align-GVGD) all suggest that this variant is likely to be tolerated. Algorithms developed to predict the effect of sequence changes on RNA splicing suggest that this variant may create or strengthen a splice site. In summary, the available evidence is currently insufficient to determine the role of this variant in disease. Therefore, it has been classified as a Variant of Uncertain Significance.

NM_001128178.3(NPHP1):c.1521T>G (p.Asn507Lys)

Gene: NPHP1 (nephrocystin 1; minus strand). Cytogenetic location: 2q13.
Variant type: single nucleotide variant.
Coding change: c.1521T>G on transcript NM_001128178.3 (MANE Select); coding-DNA position 1521, T replaced by G.
Protein change: p.Asn507Lys; replaces asparagine 507 with lysine.
Molecular consequence: missense variant.
Genome position (GRCh38, 1-based): chr2:110,143,550, A>C on the plus strand (T>G on the coding strand, the complement: NPHP1 is on the minus strand). VCF-style: chr2-110143550-A-C. GRCh37 (hg19) VCF-style: chr2-110901127-A-C.
Other names: c.1689T>G, p.Asn563Lys (NM_000272.5); c.1332T>G, p.Asn444Lys (NM_001128179.3); c.1518T>G, p.Asn506Lys (NM_001374256.1); c.1521T>G, p.Asn507Lys (NM_001374257.1); c.1686T>G, p.Asn562Lys (NM_207181.4); c.1689T>G (NM_000272.3); short protein forms N506K, N507K, N563K, N444K, N562K.
Identifiers: ClinVar variation 1524944 (VCV001524944.6), dbSNP rs2104479969, ClinGen allele CA348087207.